The following is an entry in ClinVar:

ClinVar aggregate classification (germline): Uncertain significance. Review status: criteria provided, multiple submitters, no conflicts (2 of 4 stars). 4 submissions from 4 submitters: Uncertain significance (4). Last evaluated 2025-02-26.

Conditions:
Inborn genetic diseases. Identifiers: MedGen C0950123, MeSH D030342.

Allele frequency attached by ClinVar (database versions not stated): TOPMed below 0.00001; ExAC 0.00002; gnomAD 0.00002; gnomAD exomes 0.00002 and 0.00008.
gnomAD v4.1: 112 of 1,614,038 alleles (0.0069%); highest among the groups gnomAD compares: Non-Finnish European, 0.0093%; no homozygotes.

Submissions (4):

Ambry Genetics
Classification: Uncertain significance for Inborn genetic diseases. Last evaluated: 2025-02-26. Review status: criteria provided, single submitter. Criteria: Ambry Variant Classification Scheme 2023. Collection method: clinical testing. Allele origin: germline.

Labcorp Genetics (formerly Invitae), Labcorp
Classification: Uncertain significance. Last evaluated: 2025-01-30. Review status: criteria provided, single submitter. Criteria: Invitae Variant Classification Sherloc (09022015). Collection method: clinical testing. Allele origin: germline.
Comment: This sequence change replaces methionine, which is neutral and non-polar, with valine, which is neutral and non-polar, at codon 63 of the TTBK2 protein (p.Met63Val). This variant is present in population databases (rs749472718, gnomAD 0.004%). This variant has not been reported in the literature in individuals affected with TTBK2-related conditions. ClinVar contains an entry for this variant (Variation ID: 805618). Invitae Evidence Modeling of protein sequence and biophysical properties (such as structural, functional, and spatial information, amino acid conservation, physicochemical variation, residue mobility, and thermodynamic stability) indicates that this missense variant is expected to disrupt TTBK2 protein function with a positive predictive value of 80%. In summary, the available evidence is currently insufficient to determine the role of this variant in disease. Therefore, it has been classified as a Variant of Uncertain Significance.

Blueprint Genetics
Classification: Uncertain significance. Last evaluated: 2019-03-07. Review status: criteria provided, single submitter. Criteria: ACMG Guidelines, 2015. Collection method: clinical testing. Allele origin: germline.

Athena Diagnostics
Classification: Uncertain significance. Last evaluated: 2018-09-05. Review status: criteria provided, single submitter. Criteria: Athena Diagnostics Criteria. Collection method: clinical testing. Allele origin: germline.

NM_173500.4(TTBK2):c.187A>G (p.Met63Val)

Gene: TTBK2 (tau tubulin kinase 2; minus strand). Cytogenetic location: 15q15.2.
Variant type: single nucleotide variant.
Coding change: c.187A>G on transcript NM_173500.4 (MANE Select); coding-DNA position 187, A replaced by G.
Protein change: p.Met63Val; replaces methionine 63 with valine.
Molecular consequence: missense variant.
Genome position (GRCh38, 1-based): chr15:42,872,641, T>C on the plus strand (A>G on the coding strand, the complement: TTBK2 is on the minus strand). VCF-style: chr15-42872641-T-C. GRCh37 (hg19) VCF-style: chr15-43164839-T-C.
Other names: short protein forms M63V.
Identifiers: ClinVar variation 805618 (VCV000805618.5), dbSNP rs749472718, ClinGen allele CA7517565.